The following is an entry in ClinVar:

ClinVar aggregate classification (germline): Uncertain significance (1 of 4 stars; one submission).

Submission:

GeneDx
Classification: Uncertain significance. Last evaluated: 2021-05-24. Review status: criteria provided, single submitter. Criteria: GeneDx Variant Classification Process June 2021. Collection method: clinical testing. Allele origin: germline. Affected: yes.
Comment: Not observed at significant frequency in large population cohorts (Lek et al., 2016); In silico analysis supports that this missense variant does not alter protein structure/function; Has not been previously published as pathogenic or benign to our knowledge

NM_001007553.3(CSDE1):c.175A>G (p.Asn59Asp)

Gene: CSDE1 (cold shock domain containing E1; minus strand). Cytogenetic location: 1p13.2.
Variant type: single nucleotide variant.
Coding change: c.175A>G on transcript NM_001007553.3 (MANE Select); coding-DNA position 175, A replaced by G.
Protein change: p.Asn59Asp; replaces asparagine 59 with aspartic acid.
Molecular consequence: missense variant.
Genome position (GRCh38, 1-based): chr1:114,739,716, T>C on the plus strand (A>G on the coding strand, the complement: CSDE1 is on the minus strand). VCF-style: chr1-114739716-T-C. GRCh37 (hg19) VCF-style: chr1-115282337-T-C.
Other names: c.313A>G, p.Asn105Asp (NM_001130523.3, NM_001242891.2); c.175A>G, p.Asn59Asp (NM_001242892.2, NM_001242893.2, NM_007158.6); short protein forms N105D, N59D.
Identifiers: ClinVar variation 1326802 (VCV001326802.2), dbSNP rs2101056913, ClinGen allele CA341760124.
Genomic context (GRCh38, chr1:114,739,716, plus strand): 5'-TGATTACATTTTTACAAAGGAGAACTGACAGATTACCTCCTACTTTTAAGTCTTGCAGGT[T>C]GCCATTATACTGTGAACAGTGGAAGAAAAGTCTAGCTTGACGTTCTGAACACTGAATAAA-3'
Protein context (NP_001007554.1, residues 49-69): LFFHCSQYNG[Asn59Asp]LQDLKVGDDV